The following is an entry in ClinVar:

ClinVar aggregate classification (germline): Uncertain significance. Review status: criteria provided, single submitter (1 of 4 stars). 2 submissions from 2 submitters: Uncertain significance (1). 1 of the submissions does not count toward it. Last evaluated 2025-07-23.

Conditions:
PDGFRB-related disorder. Also called: PDGFRB-related condition.
Basal ganglia calcification, idiopathic, 4 (PFBC4). Also called: PRIMARY FAMILIAL BRAIN CALCIFICATION 4, AUTOSOMAL DOMINANT; Familial Idiopathic Basal Ganglia Calcification 4. Identifiers: Orphanet 1980, MedGen C3554321, MONDO:0014004, OMIM 615007.
Infantile myofibromatosis (IMF). Also called: Congenital generalized fibromatosis. Identifiers: Orphanet 2591, MedGen C0432284, MONDO:0016824.
Acroosteolysis-keloid-like lesions-premature aging syndrome. Also called: Progeroid syndrome, Penttinen type; Premature aging syndrome, Penttinen type; Prematurely aged appearance, delayed bone maturation, acro-osteolysis, and brachydactyly. Identifiers: Orphanet 363665, MedGen C1866182, MONDO:0011150, OMIM 601812.
Skeletal overgrowth-craniofacial dysmorphism-hyperelastic skin-white matter lesions syndrome. Also called: SKELETAL OVERGROWTH WITH FACIAL DYSMORPHISM, HYPERELASTIC SKIN, WHITE MATTER LESIONS, AND NEUROLOGIC DETERIORATION; Kosaki overgrowth syndrome. Identifiers: Orphanet 477831, MedGen C4225270, MONDO:0014704, OMIM 616592.

Allele frequency attached by ClinVar (database versions not stated): gnomAD exomes 0.00004; ExAC 0.00007; ESP Exome Variant Server 0.00023; TOPMed 0.00017; 1000 Genomes Project 0.00020; gnomAD 0.00013 and 0.00014; 1000 Genomes Project 30x 0.00016.
gnomAD v4.1: 43 of 1,604,778 alleles (0.0027%); highest among the groups gnomAD compares: African/African-American, 0.037%; no homozygotes.

Submissions (2):

Labcorp Genetics (formerly Invitae), Labcorp
Classification: Uncertain significance for Basal ganglia calcification, idiopathic, 4; Skeletal overgrowth-craniofacial dysmorphism-hyperelastic skin-white matter lesions syndrome; Infantile myofibromatosis; Acroosteolysis-keloid-like lesions-premature aging syndrome. Last evaluated: 2025-07-23. Review status: criteria provided, single submitter. Criteria: Invitae Variant Classification Sherloc (09022015). Collection method: clinical testing. Allele origin: germline.
Comment: This sequence change falls in intron 14 of the PDGFRB gene. It does not directly change the encoded amino acid sequence of the PDGFRB protein. It affects a nucleotide within the consensus splice site. This variant is present in population databases (rs369842668, gnomAD 0.03%). This variant has not been reported in the literature in individuals affected with PDGFRB-related conditions. ClinVar contains an entry for this variant (Variation ID: 540599). Variants that disrupt the consensus splice site are a relatively common cause of aberrant splicing (PMID: 17576681, 9536098). Algorithms developed to predict the effect of sequence changes on RNA splicing suggest that this variant is not likely to affect RNA splicing. In summary, the available evidence is currently insufficient to determine the role of this variant in disease. Therefore, it has been classified as a Variant of Uncertain Significance.

PreventionGenetics, part of Exact Sciences
Classification: Likely benign for PDGFRB-related condition. Last evaluated: 2019-08-08. Review status: no assertion criteria provided. Collection method: clinical testing. Allele origin: germline. Not counted in ClinVar's aggregate classification.
Comment: This variant is classified as likely benign based on ACMG/AMP sequence variant interpretation guidelines (Richards et al. 2015 PMID: 25741868, with internal and published modifications).

Literature cited by the submitters: PubMed 17576681 (cited by Labcorp Genetics (formerly Invitae), Labcorp); PubMed 9536098 (cited by Labcorp Genetics (formerly Invitae), Labcorp).

NM_002609.4(PDGFRB):c.2023+5C>T

Gene: PDGFRB (platelet derived growth factor receptor beta; minus strand). Cytogenetic location: 5q32.
Variant type: single nucleotide variant.
Coding change: c.2023+5C>T on transcript NM_002609.4 (MANE Select); 5 bases into the intron after coding-DNA position 2023, C replaced by T.
Molecular consequence: intron variant.
Genome position (GRCh38, 1-based): chr5:150,124,245, G>A on the plus strand (C>T on the coding strand, the complement: PDGFRB is on the minus strand). VCF-style: chr5-150124245-G-A. GRCh37 (hg19) VCF-style: chr5-149503808-G-A.
Other names: c.1831+5C>T (NM_001355016.2); c.1540+5C>T (NM_001355017.2).
Identifiers: ClinVar variation 540599 (VCV000540599.12), dbSNP rs369842668, ClinGen allele CA3507786.